The following is an entry in ClinVar:

NM_002772.3(TMPRSS15):c.1050G>A (p.Glu350=)

Gene: TMPRSS15 (transmembrane serine protease 15; minus strand). Cytogenetic location: 21q21.1.
Variant type: single nucleotide variant.
Coding change: c.1050G>A on transcript NM_002772.3 (MANE Select); coding-DNA position 1050, G replaced by A.
Protein change: p.Glu350=; no amino-acid change (glutamic acid 350 retained).
Molecular consequence: synonymous variant.
Genome position (GRCh38, 1-based): chr21:18,353,024, C>T on the plus strand (G>A on the coding strand, the complement: TMPRSS15 is on the minus strand). VCF-style: chr21-18353024-C-T. GRCh37 (hg19) VCF-style: chr21-19725341-C-T.
Other names: c.1050G>A (NM_002772.2).
Identifiers: ClinVar variation 2078598 (VCV002078598.5), dbSNP rs372092689, ClinGen allele CA9984560.
Genomic context (GRCh38, chr21:18,353,024, plus strand): 5'-CTGAATCCTTTCCCATTCATTATCATCATTTAGATCCTGGACCCAGAAACAAAAGCCATC[C>T]TCAAAGTTACAATTAATTTTCTCATAATCTGTGAATGAAAAAAAAGAAGGAATAAAAAAA-3'
Protein context (NP_002763.3, residues 340-360): NNYEKINCNF[Glu350=]DGFCFWVQDL

ClinVar aggregate classification (germline): Likely benign. Review status: criteria provided, multiple submitters, no conflicts (2 of 4 stars). 2 submissions from 2 submitters: Likely benign (2). Last evaluated 2025-01-13.

Conditions:
TMPRSS15-related disorder. Also called: TMPRSS15-related condition.

Allele frequency attached by ClinVar (database versions not stated): ExAC 0.00016; 1000 Genomes Project 30x 0.00047; 1000 Genomes Project 0.00060; TOPMed 0.00002; gnomAD exomes 0.00004; gnomAD 0.00008.
gnomAD v4.1: 86 of 1,610,270 alleles (0.0053%); highest among the groups gnomAD compares: East Asian, 0.069%; no homozygotes.

Submissions (2):

Labcorp Genetics (formerly Invitae), Labcorp
Classification: Likely benign. Last evaluated: 2025-01-13. Review status: criteria provided, single submitter. Criteria: Invitae Variant Classification Sherloc (09022015). Collection method: clinical testing. Allele origin: germline.

PreventionGenetics, part of Exact Sciences
Classification: Likely benign for TMPRSS15-related condition. Last evaluated: 2024-11-10. Review status: criteria provided, single submitter. Criteria: ACMG Guidelines, 2015. Collection method: clinical testing. Allele origin: germline.
Comment: This variant is classified as likely benign based on ACMG/AMP sequence variant interpretation guidelines (Richards et al. 2015 PMID: 25741868, with internal and published modifications).